The following is an entry in ClinVar:

ClinVar aggregate classification (germline): Likely benign (0 of 4 stars; one submission).

Conditions:
SEMA3G-related disorder. Also called: SEMA3G-related condition.

Submission:

PreventionGenetics, part of Exact Sciences
Classification: Likely benign for SEMA3G-related condition. Last evaluated: 2023-05-15. Review status: no assertion criteria provided. Collection method: clinical testing. Allele origin: germline.
Comment: This variant is classified as likely benign based on ACMG/AMP sequence variant interpretation guidelines (Richards et al. 2015 PMID: 25741868, with internal and published modifications).

NM_020163.3(SEMA3G):c.1926C>T (p.Phe642=)

Gene: SEMA3G (semaphorin 3G; minus strand). Cytogenetic location: 3p21.1.
Variant type: single nucleotide variant.
Coding change: c.1926C>T on transcript NM_020163.3 (MANE Select); coding-DNA position 1926, C replaced by T.
Protein change: p.Phe642=; no amino-acid change (phenylalanine 642 retained).
Molecular consequence: synonymous variant.
Genome position (GRCh38, 1-based): chr3:52,436,026, G>A on the plus strand (C>T on the coding strand, the complement: SEMA3G is on the minus strand). VCF-style: chr3-52436026-G-A. GRCh37 (hg19) VCF-style: chr3-52470042-G-A.
Identifiers: ClinVar variation 3353952 (VCV003353952.1).